The following is an entry in ClinVar:

ClinVar aggregate classification (germline): Benign (0 of 4 stars; one submission).

Conditions:
TIMP2-related disorder. Also called: TIMP2-related condition.

Allele frequency attached by ClinVar (database versions not stated): 1000 Genomes Project 30x 0.01655; 1000 Genomes Project 0.01797; TOPMed 0.01981; gnomAD 0.02447; gnomAD exomes 0.03420; ExAC 0.08192.
gnomAD v4.1: 38,877 of 1,184,470 alleles (3.3%); highest among the groups gnomAD compares: Non-Finnish European, 3.6%; 726 homozygotes.

Submission:

PreventionGenetics, part of Exact Sciences
Classification: Benign for TIMP2-related condition. Last evaluated: 2019-10-21. Review status: no assertion criteria provided. Collection method: clinical testing. Allele origin: germline.
Comment: This variant is classified as benign based on ACMG/AMP sequence variant interpretation guidelines (Richards et al. 2015 PMID: 25741868, with internal and published modifications).

NM_003255.5(TIMP2):c.36C>T (p.Leu12=)

Gene: TIMP2 (TIMP metallopeptidase inhibitor 2; minus strand). Cytogenetic location: 17q25.3.
Variant type: single nucleotide variant.
Coding change: c.36C>T on transcript NM_003255.5 (MANE Select); coding-DNA position 36, C replaced by T.
Protein change: p.Leu12=; no amino-acid change (leucine 12 retained).
Molecular consequence: synonymous variant.
Genome position (GRCh38, 1-based): chr17:78,925,053, G>A on the plus strand (C>T on the coding strand, the complement: TIMP2 is on the minus strand). VCF-style: chr17-78925053-G-A. GRCh37 (hg19) VCF-style: chr17-76921135-G-A.
Identifiers: ClinVar variation 3038074 (VCV003038074.2), dbSNP rs577686887, ClinGen allele CA8807905.
Genomic context (GRCh38, chr17:78,925,053, plus strand): 5'-CACCGGGGAGCAGCTGCAGGCGTCGGCCGGGCGAAGCAGCGTCGCCAGCAGCAGGAGGCC[G>A]AGCGCCAGCCGCAGGGTGCGGGCCGCGGCGCCCATGGCGGGCCGGGGGGCTGGGCGGGCG-3'
Protein context (NP_003246.1, residues 2-22): GAAARTLRLA[Leu12=]GLLLLATLLR